The following is an entry in ClinVar:

ClinVar aggregate classification (germline): Uncertain significance (1 of 4 stars; one submission).

Conditions:
ALG12-congenital disorder of glycosylation (CDG1G). Also called: Congenital disorder of glycosylation, type Ig; CDG Ig; ALG12-CDG. Identifiers: Orphanet 79324, MedGen C2931001, MONDO:0011783, OMIM 607143.

gnomAD v4.1: 11 of 1,613,698 alleles (0.00068%); highest among the groups gnomAD compares: Admixed American, 0.013%; no homozygotes.

Submission:

Labcorp Genetics (formerly Invitae), Labcorp
Classification: Uncertain significance for ALG12-congenital disorder of glycosylation. Last evaluated: 2022-03-29. Review status: criteria provided, single submitter. Criteria: Invitae Variant Classification Sherloc (09022015). Collection method: clinical testing. Allele origin: germline.
Comment: This sequence change falls in intron 3 of the ALG12 gene. It does not directly change the encoded amino acid sequence of the ALG12 protein. It affects a nucleotide within the consensus splice site. This variant is present in population databases (no rsID available, gnomAD 0.006%). This variant has not been reported in the literature in individuals affected with ALG12-related conditions. Variants that disrupt the consensus splice site are a relatively common cause of aberrant splicing (PMID: 17576681, 9536098). Algorithms developed to predict the effect of sequence changes on RNA splicing suggest that this variant is not likely to affect RNA splicing. In summary, the available evidence is currently insufficient to determine the role of this variant in disease. Therefore, it has been classified as a Variant of Uncertain Significance.

Literature cited by the submitters: PubMed 17576681; PubMed 9536098.

NM_024105.4(ALG12):c.295+6G>C

Gene: ALG12 (ALG12 alpha-1,6-mannosyltransferase; minus strand). Cytogenetic location: 22q13.33.
Variant type: single nucleotide variant.
Coding change: c.295+6G>C on transcript NM_024105.4 (MANE Select); 6 bases into the intron after coding-DNA position 295, G replaced by C.
Molecular consequence: intron variant.
Genome position (GRCh38, 1-based): chr22:49,913,379, C>G on the plus strand (G>C on the coding strand, the complement: ALG12 is on the minus strand). VCF-style: chr22-49913379-C-G. GRCh37 (hg19) VCF-style: chr22-50307027-C-G.
Identifiers: ClinVar variation 2145722 (VCV002145722.1), dbSNP rs368352058, ClinGen allele CA325433315.